The following is an entry in ClinVar:

NM_201253.3(CRB1):c.592G>A (p.Glu198Lys)

Gene: CRB1 (crumbs cell polarity complex component 1; plus strand). Cytogenetic location: 1q31.3.
Variant type: single nucleotide variant.
Coding change: c.592G>A on transcript NM_201253.3 (MANE Select); coding-DNA position 592, G replaced by A.
Protein change: p.Glu198Lys; replaces glutamic acid 198 with lysine.
Molecular consequence: missense variant. On other transcripts: non-coding transcript variant (2).
Genome position (GRCh38, 1-based): chr1:197,328,943, G>A. VCF-style: chr1-197328943-G-A. GRCh37 (hg19) VCF-style: chr1-197298073-G-A.
Other names: c.592G>A, p.Glu198Lys (NM_001193640.2, NM_001257966.2); c.385G>A, p.Glu129Lys (NM_001257965.2); short protein forms E129K, E198K.
Identifiers: ClinVar variation 1060926 (VCV001060926.7), dbSNP rs1658694943, ClinGen allele CA344081628.

ClinVar aggregate classification (germline): Uncertain significance (1 of 4 stars; one submission).

Conditions:
Retinitis pigmentosa 12 (RP12). Also called: RP WITH OR WITHOUT PRESERVED PARAARTERIOLE RETINAL PIGMENT EPITHELIUM; RETINITIS PIGMENTOSA WITH OR WITHOUT PARAARTERIOLAR PRESERVATION OF RETINAL PIGMENT EPITHELIUM; RP WITH OR WITHOUT PPRPE. Identifiers: Orphanet 791, MedGen C1838647, MONDO:0010818, OMIM 600105.
Leber congenital amaurosis 8 (LCA8). Identifiers: Orphanet 65, MedGen C3151202, MONDO:0013453, OMIM 613835.

Allele frequency attached by ClinVar (database versions not stated): gnomAD exomes below 0.00001; TOPMed below 0.00001.
gnomAD v4.1: 4 of 1,614,200 alleles (0.00025%); highest among the groups gnomAD compares: Non-Finnish European, 0.00025%; no homozygotes.

Submission:

Labcorp Genetics (formerly Invitae), Labcorp
Classification: Uncertain significance for Leber congenital amaurosis 8; Retinitis pigmentosa 12. Last evaluated: 2022-07-25. Review status: criteria provided, single submitter. Criteria: Invitae Variant Classification Sherloc (09022015). Collection method: clinical testing. Allele origin: germline.
Comment: This sequence change replaces glutamic acid, which is acidic and polar, with lysine, which is basic and polar, at codon 198 of the CRB1 protein (p.Glu198Lys). This variant is not present in population databases (gnomAD no frequency). This variant has not been reported in the literature in individuals affected with CRB1-related conditions. ClinVar contains an entry for this variant (Variation ID: 1060926). Advanced modeling of protein sequence and biophysical properties (such as structural, functional, and spatial information, amino acid conservation, physicochemical variation, residue mobility, and thermodynamic stability) performed at Invitae indicates that this missense variant is not expected to disrupt CRB1 protein function. In summary, the available evidence is currently insufficient to determine the role of this variant in disease. Therefore, it has been classified as a Variant of Uncertain Significance.